The following is an entry in ClinVar:

ClinVar aggregate classification (germline): Likely benign (0 of 4 stars; one submission).

Conditions:
CCDC141-related disorder. Also called: CCDC141-related condition.

Allele frequency attached by ClinVar (database versions not stated): TOPMed 0.00001; gnomAD 0.00009; gnomAD exomes 0.00019; ExAC 0.00045; 1000 Genomes Project 30x 0.00062; 1000 Genomes Project 0.00080.
gnomAD v4.1: 298 of 1,590,358 alleles (0.019%); highest among the groups gnomAD compares: South Asian, 0.32%; 4 homozygotes.

Submission:

PreventionGenetics, part of Exact Sciences
Classification: Likely benign for CCDC141-related condition. Last evaluated: 2024-02-23. Review status: no assertion criteria provided. Collection method: clinical testing. Allele origin: germline.
Comment: This variant is classified as likely benign based on ACMG/AMP sequence variant interpretation guidelines (Richards et al. 2015 PMID: 25741868, with internal and published modifications).

NM_173648.4(CCDC141):c.2591C>T (p.Ser864Phe)

Gene: CCDC141 (coiled-coil domain containing 141; minus strand). Cytogenetic location: 2q31.2.
Variant type: single nucleotide variant.
Coding change: c.2591C>T on transcript NM_173648.4 (MANE Select); coding-DNA position 2591, C replaced by T.
Protein change: p.Ser864Phe; replaces serine 864 with phenylalanine.
Molecular consequence: missense variant.
Genome position (GRCh38, 1-based): chr2:178,865,900, G>A on the plus strand (C>T on the coding strand, the complement: CCDC141 is on the minus strand). VCF-style: chr2-178865900-G-A. GRCh37 (hg19) VCF-style: chr2-179730627-G-A.
Other names: short protein forms S864F.
Identifiers: ClinVar variation 3057616 (VCV003057616.2), dbSNP rs373816025, ClinGen allele CA2006966.